The following is an entry in ClinVar:

NM_022455.5(NSD1):c.3323T>C (p.Val1108Ala)

Gene: NSD1 (nuclear receptor binding SET domain protein 1; plus strand). Cytogenetic location: 5q35.3.
Variant type: single nucleotide variant.
Coding change: c.3323T>C on transcript NM_022455.5 (MANE Select); coding-DNA position 3323, T replaced by C.
Protein change: p.Val1108Ala; replaces valine 1108 with alanine.
Molecular consequence: missense variant.
Genome position (GRCh38, 1-based): chr5:177,211,722, T>C. VCF-style: chr5-177211722-T-C. GRCh37 (hg19) VCF-style: chr5-176638723-T-C.
Other names: c.2450T>C, p.Val817Ala (NM_001365684.2, NM_001409306.1, NM_001409307.1 and 3 more transcripts); c.3323T>C, p.Val1108Ala (NM_001409301.1, NM_001409302.1, NM_001409303.1); c.2903T>C, p.Val968Ala (NM_001409304.1); c.2570T>C, p.Val857Ala (NM_001409305.1); short protein forms V1108A, V839A, V857A, V817A, V968A.
Identifiers: ClinVar variation 1308012 (VCV001308012.2), dbSNP rs779656661, ClinGen allele CA362323693.

ClinVar aggregate classification (germline): Uncertain significance (1 of 4 stars; one submission).

Submission:

GeneDx
Classification: Uncertain significance. Last evaluated: 2019-08-22. Review status: criteria provided, single submitter. Criteria: GeneDx Variant Classification Process June 2021. Collection method: clinical testing. Allele origin: germline. Affected: yes.
Comment: Not observed in large population cohorts (Lek et al., 2016); In silico analysis, which includes protein predictors and evolutionary conservation, supports that this variant does not alter protein structure/function; Has not been previously published as pathogenic or benign to our knowledge